The following is an entry in ClinVar:

ClinVar aggregate classification (germline): Uncertain significance (1 of 4 stars; one submission).

Conditions:
Joubert syndrome 8 (JBTS8). Identifiers: Orphanet 475, MedGen C2676771, MONDO:0012855, OMIM 612291.

Allele frequency attached by ClinVar (database versions not stated): gnomAD 0.00001; gnomAD exomes 0.00002 and 0.00007; TOPMed 0.00002.
gnomAD v4.1: 98 of 1,612,604 alleles (0.0061%); highest among the groups gnomAD compares: Non-Finnish European, 0.0083%; no homozygotes.

Submission:

Labcorp Genetics (formerly Invitae), Labcorp
Classification: Uncertain significance for Joubert syndrome 8. Last evaluated: 2021-08-24. Review status: criteria provided, single submitter. Criteria: Invitae Variant Classification Sherloc (09022015). Collection method: clinical testing. Allele origin: germline.
Comment: This sequence change replaces cysteine with glycine at codon 8 of the ARL13B protein (p.Cys8Gly). The cysteine residue is moderately conserved and there is a large physicochemical difference between cysteine and glycine. This variant is not present in population databases (ExAC no frequency). This variant has not been reported in the literature in individuals affected with ARL13B-related conditions. Algorithms developed to predict the effect of missense changes on protein structure and function are either unavailable or do not agree on the potential impact of this missense change (SIFT: "Deleterious"; PolyPhen-2: "Possibly Damaging"; Align-GVGD: "Class C0"). In summary, the available evidence is currently insufficient to determine the role of this variant in disease. Therefore, it has been classified as a Variant of Uncertain Significance.

NM_001174150.2(ARL13B):c.22T>G (p.Cys8Gly)

Gene: ARL13B (ARF like GTPase 13B; plus strand). Cytogenetic location: 3q11.1.
Variant type: single nucleotide variant.
Coding change: c.22T>G on transcript NM_001174150.2 (MANE Select); coding-DNA position 22, T replaced by G.
Protein change: p.Cys8Gly; replaces cysteine 8 with glycine.
Molecular consequence: missense variant. On other transcripts: 5 prime UTR variant (2), non-coding transcript variant (2).
Genome position (GRCh38, 1-based): chr3:93,980,445, T>G. VCF-style: chr3-93980445-T-G. GRCh37 (hg19) VCF-style: chr3-93699289-T-G.
Other names: c.-217T>G (NM_001174151.2); c.-146T>G (NM_001321328.2); c.22T>G, p.Cys8Gly (NM_144996.4, NM_182896.3); short protein forms C8G.
Identifiers: ClinVar variation 856485 (VCV000856485.4), dbSNP rs1292813768, ClinGen allele CA353675041.